The following is an entry in ClinVar:

NM_000038.6(APC):c.211C>T (p.Arg71Cys)

Gene: APC (APC regulator of Wnt signaling pathway; plus strand). Cytogenetic location: 5q22.2.
Variant type: single nucleotide variant.
Coding change: c.211C>T on transcript NM_000038.6 (MANE Select); coding-DNA position 211, C replaced by T.
Protein change: p.Arg71Cys; replaces arginine 71 with cysteine.
Molecular consequence: missense variant. On other transcripts: 5 prime UTR variant (1).
Genome position (GRCh38, 1-based): chr5:112,766,401, C>T. VCF-style: chr5-112766401-C-T. GRCh37 (hg19) VCF-style: chr5-112102098-C-T.
Other names: c.211C>T, p.Arg71Cys (NM_001127510.3, NM_001354895.2, NM_001354896.2 and 2 more transcripts); c.241C>T, p.Arg81Cys (NM_001127511.3, NM_001354897.2, NM_001354902.2); c.136C>T, p.Arg46Cys (NM_001354898.2, NM_001354904.2); c.34C>T, p.Arg12Cys (NM_001354900.2, NM_001354901.2, NM_001354905.2); c.-825C>T (NM_001354906.2); short protein forms R71C, R81C, R46C, R12C.
Identifiers: ClinVar variation 495354 (VCV000495354.16), dbSNP rs767741687, ClinGen allele CA16021805.

ClinVar aggregate classification (germline): Uncertain significance. Review status: criteria provided, multiple submitters, no conflicts (2 of 4 stars). 6 submissions from 6 submitters: Uncertain significance (6). Last evaluated 2025-11-08.

Conditions:
Hereditary cancer-predisposing syndrome. Also called: Hereditary neoplastic syndrome; Tumor predisposition; Hereditary Cancer Syndrome; Neoplastic Syndromes, Hereditary. Identifiers: Orphanet 140162, MedGen C0027672, MeSH D009386, MONDO:0015356.
Classic or attenuated familial adenomatous polyposis. Identifiers: MedGen CN372698, MONDO:0021057.
Familial adenomatous polyposis 1 (FAP1). Also called: FAMILIAL ADENOMATOUS POLYPOSIS 1, ATTENUATED; POLYPOSIS, ADENOMATOUS INTESTINAL. Identifiers: MedGen C2713442, MONDO:0021056, OMIM 175100. Disease mechanism: loss of function.

Allele frequency attached by ClinVar (database versions not stated): gnomAD 0.00003.

Submissions (6):

Labcorp Genetics (formerly Invitae), Labcorp
Classification: Uncertain significance for Familial adenomatous polyposis 1. Last evaluated: 2025-11-08. Review status: criteria provided, single submitter. Criteria: Invitae Variant Classification Sherloc (09022015). Collection method: clinical testing. Allele origin: germline.
Comment: This sequence change replaces arginine, which is basic and polar, with cysteine, which is neutral and slightly polar, at codon 71 of the APC protein (p.Arg71Cys). The frequency data for this variant in the population databases is considered unreliable, as metrics indicate poor data quality at this position in the gnomAD database. This variant has not been reported in the literature in individuals affected with APC-related conditions. ClinVar contains an entry for this variant (Variation ID: 495354). Invitae Evidence Modeling of protein sequence and biophysical properties (such as structural, functional, and spatial information, amino acid conservation, physicochemical variation, residue mobility, and thermodynamic stability) indicates that this missense variant is not expected to disrupt APC protein function with a negative predictive value of 95%. In summary, the available evidence is currently insufficient to determine the role of this variant in disease. Therefore, it has been classified as a Variant of Uncertain Significance.

Ambry Genetics
Classification: Uncertain significance for Hereditary cancer-predisposing syndrome. Last evaluated: 2024-05-19. Review status: criteria provided, single submitter. Criteria: Ambry Variant Classification Scheme 2023. Collection method: clinical testing. Allele origin: germline.
Comment: The p.R71C variant (also known as c.211C>T), located in coding exon 2 of the APC gene, results from a C to T substitution at nucleotide position 211. The arginine at codon 71 is replaced by cysteine, an amino acid with highly dissimilar properties. This amino acid position is highly conserved in available vertebrate species. In addition, in silico predictors for this gene do not accurately predict pathogenicity. Since supporting evidence is limited at this time, the clinical significance of this alteration remains unclear.

Baylor Genetics
Classification: Uncertain significance for Familial adenomatous polyposis 1. Last evaluated: 2023-08-20. Review status: criteria provided, single submitter. Criteria: ACMG Guidelines, 2015. Collection method: clinical testing. Allele origin: unknown.

All of Us Research Program, National Institutes of Health
Classification: Uncertain significance for Classic or attenuated familial adenomatous polyposis. Last evaluated: 2023-05-04. Review status: criteria provided, single submitter. Criteria: ACMG Guidelines, 2015. Collection method: clinical testing. Allele origin: germline. Inheritance: Autosomal dominant inheritance. Observed: 1 variant allele, 1 heterozygote.
Comment: This missense variant replaces arginine with cysteine at codon 71 of the APC protein. Computational prediction suggests that this variant may not impact protein structure and function (internally defined REVEL score threshold <= 0.5, PMID: 27666373). To our knowledge, functional studies have not been reported for this variant. This variant has been reported in an individual affected with colorectal cancer (PMID: 26900293). This variant has been identified in 2/282192 chromosomes in the general population by the Genome Aggregation Database (gnomAD). The available evidence is insufficient to determine the role of this variant in disease conclusively. Therefore, this variant is classified as a Variant of Uncertain Significance.

This study involves interpretation of variants in research participants for the purpose of population health screening. Participant phenotype was not available at the time of variant classification. Additional details can be found in publication PMID: 35346344, PMCID: PMC8962531

Color Diagnostics, LLC DBA Color Health
Classification: Uncertain significance for Hereditary cancer-predisposing syndrome. Last evaluated: 2023-01-17. Review status: criteria provided, single submitter. Criteria: ACMG Guidelines, 2015. Collection method: clinical testing. Allele origin: germline.
Comment: This missense variant replaces arginine with cysteine at codon 71 of the APC protein. Computational prediction suggests that this variant may not impact protein structure and function (internally defined REVEL score threshold <= 0.5, PMID: 27666373). To our knowledge, functional studies have not been reported for this variant. This variant has been reported in an individual affected with colorectal cancer (PMID: 26900293). This variant has been identified in 2/282192 chromosomes in the general population by the Genome Aggregation Database (gnomAD). The available evidence is insufficient to determine the role of this variant in disease conclusively. Therefore, this variant is classified as a Variant of Uncertain Significance.

Women's Health and Genetics/Laboratory Corporation of America, LabCorp
Classification: Uncertain significance. Last evaluated: 2017-07-21. Review status: criteria provided, single submitter. Criteria: LabCorp Variant Classification Summary - May 2015. Collection method: clinical testing. Allele origin: germline.
Comment: Variant summary: The APC c.211C>T (p.Arg71Cys) variant involves the alteration of a conserved nucleotide and 5/5 in silico tools predict a damaging outcome for this variant. This variant was found in 1/245800 control chromosomes at a frequency of 0.0000041, which does not exceed the estimated maximal expected allele frequency of a pathogenic APC variant (0.0000714). A publication cites the variant to occur in a CrC cohort, however, additional information is not provided (ie, co-occurrence and cosegregation data). The variant of interest has not, to our knowledge, been reported in affected individuals via clinical diagnostic laboratories and/or reputable databases. Therefore, due to the limited available information, the variant of interest has been classified as a "Variant of Uncertain Significance (VUS)," until additional information becomes available (ie, clinical and/or functional studies).

Literature cited by the submitters: PubMed 26900293 (cited by 3 submitters).